The following is an entry in ClinVar:

NM_001042492.3(NF1):c.3779dup (p.Met1260fs)

Gene: NF1 (neurofibromin 1; plus strand). Cytogenetic location: 17q11.2.
Variant type: Duplication.
Coding change: c.3779dup on transcript NM_001042492.3 (MANE Select); coding-DNA position 3779, one base duplicated (T; older notation c.3779dupT).
Protein change: p.Met1260fs; shifts the reading frame from methionine 1260.
Molecular consequence: frameshift variant.
Genome position (GRCh38, 1-based): chr17:31,235,681, T duplicated. VCF-style (leftmost placement, unchanged base first): chr17-31235680-A-AT. GRCh37 (hg19) VCF-style: chr17-29562698-A-AT.
Other names: c.3779dupT (NM_000267.3); c.3779dup, p.Met1260fs (NM_000267.4); short protein forms M1260fs.
Identifiers: ClinVar variation 4860953 (VCV004860953.1).
Genomic context (GRCh38, chr17:31,235,680, plus strand): 5'-GCTCGAGTTCTGGTTACTCTGTTTGATTCTCGGCATTTACTCTACCAACTGCTCTGGAAC[A>AT]TGTTTTCTAAAGAAGTAGAATTGGCAGACTCCATGCAGACTCTCTTCCGAGGCAACAGCT-3'

ClinVar aggregate classification (germline): Pathogenic (1 of 4 stars; one submission).

Conditions:
Cardiovascular phenotype. Identifiers: MedGen CN230736.
Hereditary cancer-predisposing syndrome. Also called: Neoplastic Syndromes, Hereditary; Tumor predisposition; Hereditary Cancer Syndrome; Hereditary neoplastic syndrome. Identifiers: Orphanet 140162, MedGen C0027672, MeSH D009386, MONDO:0015356.

Submission:

Ambry Genetics
Classification: Pathogenic for Cardiovascular phenotype; Hereditary cancer-predisposing syndrome. Last evaluated: 2026-05-01. Review status: criteria provided, single submitter. Criteria: Ambry Variant Classification Scheme 2023. Collection method: clinical testing. Allele origin: germline.
Comment: The c.3779dupT pathogenic mutation, located in coding exon 28 of the NF1 gene, results from a duplication of T at nucleotide position 3779, causing a translational frameshift with a predicted alternate stop codon (p.M1260Ifs*4). This variant is considered to be rare based on population cohorts in the Genome Aggregation Database (gnomAD). This alteration is expected to result in loss of function by premature protein truncation or nonsense-mediated mRNA decay. As such, this alteration is interpreted as a disease-causing mutation.